The following is an entry in ClinVar:

ClinVar aggregate classification (germline): Uncertain significance (1 of 4 stars; one submission).

Submission:

Labcorp Genetics (formerly Invitae), Labcorp
Classification: Uncertain significance. Last evaluated: 2022-03-10. Review status: criteria provided, single submitter. Criteria: Invitae Variant Classification Sherloc (09022015). Collection method: clinical testing. Allele origin: germline.
Comment: This sequence change replaces isoleucine, which is neutral and non-polar, with threonine, which is neutral and polar, at codon 2321 of the EYS protein (p.Ile2321Thr). This variant is not present in population databases (gnomAD no frequency). This variant has not been reported in the literature in individuals affected with EYS-related conditions. Algorithms developed to predict the effect of missense changes on protein structure and function output the following: SIFT: "Deleterious"; PolyPhen-2: "Benign"; Align-GVGD: "Class C65". The threonine amino acid residue is found in multiple mammalian species, which suggests that this missense change does not adversely affect protein function. In summary, the available evidence is currently insufficient to determine the role of this variant in disease. Therefore, it has been classified as a Variant of Uncertain Significance.

NM_001142800.2(EYS):c.6962T>C (p.Ile2321Thr)

Gene: EYS (EGF-like photoreceptor maintenance factor; minus strand). Cytogenetic location: 6q12.
Variant type: single nucleotide variant.
Coding change: c.6962T>C on transcript NM_001142800.2 (MANE Select); coding-DNA position 6962, T replaced by C.
Protein change: p.Ile2321Thr; replaces isoleucine 2321 with threonine.
Molecular consequence: missense variant.
Genome position (GRCh38, 1-based): chr6:63,984,476, A>G on the plus strand (T>C on the coding strand, the complement: EYS is on the minus strand). VCF-style: chr6-63984476-A-G. GRCh37 (hg19) VCF-style: chr6-64694369-A-G.
Other names: c.6962T>C, p.Ile2321Thr (NM_001292009.2); short protein forms I2321T.
Identifiers: ClinVar variation 1428341 (VCV001428341.8), dbSNP rs2149792294, ClinGen allele CA364388598.